The following is an entry in ClinVar:

NM_000543.5(SMPD1):c.39C>T (p.Pro13=)

Genes: SMPD1 (sphingomyelin phosphodiesterase 1; plus strand), LOC130005193 (ATAC-STARR-seq lymphoblastoid silent region 3099; plus strand). Cytogenetic location: 11p15.4.
Variant type: single nucleotide variant.
Coding change: c.39C>T on transcript NM_000543.5 (MANE Select); coding-DNA position 39, C replaced by T.
Protein change: p.Pro13=; no amino-acid change (proline 13 retained).
Molecular consequence: synonymous variant. On other transcripts: 5 prime UTR variant (1), non-coding transcript variant (2).
Genome position (GRCh38, 1-based): chr11:6,390,637, C>T. VCF-style: chr11-6390637-C-T. GRCh37 (hg19) VCF-style: chr11-6411867-C-T.
Other names: c.39C>T (NM_000543.4); c.39C>T, p.Pro13= (NM_001007593.3, NM_001318087.2, NM_001365135.2); c.-923C>T (NM_001318088.2).
Identifiers: ClinVar variation 593157 (VCV000593157.13), dbSNP rs775473869, ClinGen allele CA5852457.

ClinVar aggregate classification (germline): Conflicting classifications of pathogenicity. Review status: criteria provided, conflicting classifications (1 of 4 stars). 3 submissions from 3 submitters: Uncertain significance (1); Likely benign (1). 1 of the submissions does not count toward it. Last evaluated 2026-01-20.

Conditions:
Niemann-Pick disease, type B. Also called: Chronic Visceral ASMD (Niemann-Pick Disease Type B; NPD-B). Identifiers: Orphanet 77293, MedGen C0268243, MONDO:0011871, OMIM 607616. Disease mechanism: loss of function.
Niemann-Pick disease, type A. Also called: SPHINGOMYELIN LIPIDOSIS; SPHINGOMYELINASE DEFICIENCY; Infantile Neurovisceral ASMD (Niemann-Pick Disease Type A; NPD-A). Identifiers: Orphanet 77292, MedGen C0268242, MONDO:0009756, OMIM 257200. Disease mechanism: loss of function.
SMPD1-related disorder. Also called: SMPD1-related condition.

Allele frequency attached by ClinVar (database versions not stated): ExAC 0.00002; gnomAD exomes 0.00002 and 0.00001; gnomAD 0.00004; TOPMed 0.00008.

Submissions (3):

Labcorp Genetics (formerly Invitae), Labcorp
Classification: Likely benign for Niemann-Pick disease, type B; Niemann-Pick disease, type A. Last evaluated: 2026-01-20. Review status: criteria provided, single submitter. Criteria: Invitae Variant Classification Sherloc (09022015). Collection method: clinical testing. Allele origin: germline.

Eurofins Ntd Llc (ga)
Classification: Uncertain significance. Last evaluated: 2017-07-10. Review status: criteria provided, single submitter. Criteria: EGL Classification Definitions 2015. Collection method: clinical testing. Allele origin: germline. Observed: 2 variant alleles, 2 heterozygotes.

PreventionGenetics, part of Exact Sciences
Classification: Likely benign for SMPD1-related condition. Last evaluated: 2024-08-19. Review status: no assertion criteria provided. Collection method: clinical testing. Allele origin: germline. Not counted in ClinVar's aggregate classification.
Comment: This variant is classified as likely benign based on ACMG/AMP sequence variant interpretation guidelines (Richards et al. 2015 PMID: 25741868, with internal and published modifications).